The following is an entry in ClinVar:

NM_005228.5(EGFR):c.2470-16G>T

Gene: EGFR (epidermal growth factor receptor; plus strand). Cytogenetic location: 7p11.2.
Variant type: single nucleotide variant.
Coding change: c.2470-16G>T on transcript NM_005228.5 (MANE Select); 16 bases into the intron before coding-DNA position 2470, G replaced by T.
Molecular consequence: intron variant.
Genome position (GRCh38, 1-based): chr7:55,191,703, G>T. VCF-style: chr7-55191703-G-T. GRCh37 (hg19) VCF-style: chr7-55259396-G-T.
Other names: c.2335-16G>T (NM_001346899.2, NM_001346897.2); c.1669-16G>T (NM_001346941.2); c.2470-16G>T (NM_001346898.2); c.2311-16G>T (NM_001346900.2).
Identifiers: ClinVar variation 1516397 (VCV001516397.9), dbSNP rs78746362, ClinGen allele CA4266100.

ClinVar aggregate classification (germline): Likely benign. Review status: criteria provided, multiple submitters, no conflicts (2 of 4 stars). 2 submissions from 2 submitters: Likely benign (2). Last evaluated 2025-11-11.

Conditions:
Lung cancer. Also called: Malignant tumor of lung; Lung cancer, somatic. Identifiers: MedGen C0242379, MONDO:0008903, OMIM 211980.
EGFR-related lung cancer (EGFR). Identifiers: MedGen CN130014.

Allele frequency attached by ClinVar (database versions not stated): gnomAD exomes below 0.00001; ExAC 0.00001; gnomAD 0.00001; 1000 Genomes Project 0.00020; 1000 Genomes Project 30x 0.00031.
gnomAD v4.1: 26 of 1,613,514 alleles (0.0016%); highest among the groups gnomAD compares: Non-Finnish European, 0.002%; no homozygotes.

Submissions (2):

Labcorp Genetics (formerly Invitae), Labcorp
Classification: Likely benign for EGFR-related lung cancer. Last evaluated: 2025-11-11. Review status: criteria provided, single submitter. Criteria: Invitae Variant Classification Sherloc (09022015). Collection method: clinical testing. Allele origin: germline.

Myriad Genetics, Inc.
Classification: Likely benign for Lung cancer. Last evaluated: 2024-10-16. Review status: criteria provided, single submitter. Criteria: Myriad Autosomal Dominant, Autosomal Recessive and X-Linked Classification Criteria (2023). Collection method: clinical testing. Allele origin: unknown.
Comment: This variant is considered likely benign. This variant is intronic and is not expected to impact mRNA splicing.